The following is an entry in ClinVar:

NM_001369.3(DNAH5):c.6444+8A>G

Gene: DNAH5 (dynein axonemal heavy chain 5; minus strand). Cytogenetic location: 5p15.2.
Variant type: single nucleotide variant.
Coding change: c.6444+8A>G on transcript NM_001369.3 (MANE Select); 8 bases into the intron after coding-DNA position 6444, A replaced by G.
Molecular consequence: intron variant.
Genome position (GRCh38, 1-based): chr5:13,829,502, T>C on the plus strand (A>G on the coding strand, the complement: DNAH5 is on the minus strand). VCF-style: chr5-13829502-T-C. GRCh37 (hg19) VCF-style: chr5-13829611-T-C.
Other names: p.?.
Identifiers: ClinVar variation 226603 (VCV000226603.26), dbSNP rs1348690, ClinGen allele CA3203403.

ClinVar aggregate classification (germline): Benign/Likely benign. Review status: criteria provided, multiple submitters, no conflicts (2 of 4 stars). 10 submissions from 10 submitters: Benign (7); Likely benign (1). 2 of the submissions do not count toward it. Last evaluated 2026-02-01.

Conditions:
Primary ciliary dyskinesia 3. Identifiers: Orphanet 244, MedGen C1837618, MONDO:0012085, OMIM 608644.
Primary ciliary dyskinesia. Also called: Ciliary dyskinesia. Identifiers: Orphanet 244, MedGen C0008780, MONDO:0016575, HP:0012265.

Allele frequency attached by ClinVar (database versions not stated): TOPMed 0.03126; 1000 Genomes Project 0.03215; 1000 Genomes Project 30x 0.03232; gnomAD exomes 0.00250 and 0.00691; ExAC 0.00860; gnomAD 0.02735 and 0.02931; ESP Exome Variant Server 0.03106.
gnomAD v4.1: 7,960 of 1,614,000 alleles (0.49%); highest among the groups gnomAD compares: African/African-American, 9.5%; 357 homozygotes.

Submissions (10):

Labcorp Genetics (formerly Invitae), Labcorp
Classification: Benign for Primary ciliary dyskinesia. Last evaluated: 2026-02-01. Review status: criteria provided, single submitter. Criteria: Invitae Variant Classification Sherloc (09022015). Collection method: clinical testing. Allele origin: germline.

Blueprint Genetics
Classification: Likely benign. Last evaluated: 2024-11-01. Review status: criteria provided, single submitter. Criteria: ACMG Guidelines, 2015. Collection method: clinical testing. Allele origin: germline.

Mayo Clinic Laboratories, Mayo Clinic
Classification: Benign. Last evaluated: 2023-04-21. Review status: criteria provided, single submitter. Criteria: ACMG Guidelines, 2015. Collection method: clinical testing. Allele origin: germline. Observed: 5 variant alleles.

GeneDx
Classification: Benign. Last evaluated: 2019-12-24. Review status: criteria provided, single submitter. Criteria: GeneDx Variant Classification Process June 2021. Collection method: clinical testing. Allele origin: germline. Affected: yes.

Illumina Laboratory Services, Illumina
Classification: Benign for Primary ciliary dyskinesia 3. Last evaluated: 2018-01-12. Review status: criteria provided, single submitter. Criteria: ICSL Variant Classification Criteria 13 December 2019. Collection method: clinical testing. Allele origin: germline.
Comment: This variant was observed in the ICSL laboratory as part of a predisposition screen in an ostensibly healthy population. It had not been previously curated by ICSL or reported in the Human Gene Mutation Database (HGMD: prior to June 1st, 2018), and was therefore a candidate for classification through an automated scoring system. Utilizing variant allele frequency, disease prevalence and penetrance estimates, and inheritance mode, an automated score was calculated to assess if this variant is too frequent to cause the disease. Based on the score and internal cut-off values, a variant classified as benign is not then subjected to further curation. The score for this variant resulted in a classification of benign for this disease.

Laboratory for Molecular Medicine, Mass General Brigham Personalized Medicine
Classification: Benign. Last evaluated: 2013-02-21. Review status: criteria provided, single submitter. Criteria: LMM Criteria. Collection method: clinical testing. Allele origin: germline. Observed: 2 variant alleles.
Comment: 6444+8A>G in intron 38 of DNAH5: This variant is not expected to have clinical s ignificance because it is not located within the conserved splice consensus sequ ence. It has been identified in 9.2% (404/4406) of African American chromosomes from a broad population by the NHLBI Exome Sequencing Project (dbSNP rs1348690).

Breakthrough Genomics
Classification: Benign. Review status: criteria provided, single submitter. Criteria: ACMG Guidelines, 2015. Collection method: not provided. Allele origin: germline. Inheritance: Autosomal recessive inheritance. Affected: yes.

PreventionGenetics, part of Exact Sciences
Classification: Benign. Review status: criteria provided, single submitter. Criteria: ACMG Guidelines, 2015. Collection method: clinical testing. Allele origin: germline.

Natera, Inc.
Classification: Benign for Primary ciliary dyskinesia. Last evaluated: 2020-09-16. Review status: no assertion criteria provided. Collection method: clinical testing. Allele origin: germline. Not counted in ClinVar's aggregate classification.

Counsyl
Classification: Benign for Primary ciliary dyskinesia 3. Last evaluated: 2017-03-06. Review status: no assertion criteria provided. Collection method: clinical testing. Allele origin: unknown. Not counted in ClinVar's aggregate classification.